The following is an entry in ClinVar:

NM_001257180.2(SLC20A2):c.707C>T (p.Pro236Leu)

Gene: SLC20A2 (solute carrier family 20 member 2; minus strand). Cytogenetic location: 8p11.21.
Variant type: single nucleotide variant.
Coding change: c.707C>T on transcript NM_001257180.2 (MANE Select); coding-DNA position 707, C replaced by T.
Protein change: p.Pro236Leu; replaces proline 236 with leucine.
Molecular consequence: missense variant.
Genome position (GRCh38, 1-based): chr8:42,444,669, G>A on the plus strand (C>T on the coding strand, the complement: SLC20A2 is on the minus strand). VCF-style: chr8-42444669-G-A. GRCh37 (hg19) VCF-style: chr8-42302187-G-A.
Other names: c.707C>T, p.Pro236Leu (NM_001257181.2, NM_006749.5); short protein forms P236L.
Identifiers: ClinVar variation 2662756 (VCV002662756.1), dbSNP rs1366061951, ClinGen allele CA371081927.

ClinVar aggregate classification (germline): Uncertain significance (1 of 4 stars; one submission).

Allele frequency attached by ClinVar (database versions not stated): gnomAD exomes below 0.00001; TOPMed 0.00002; gnomAD 0.00003.
gnomAD v4.1: 8 of 1,613,390 alleles (0.0005%); highest among the groups gnomAD compares: Non-Finnish European, 0.00068%; no homozygotes.

Submission:

GeneDx
Classification: Uncertain significance. Last evaluated: 2023-04-13. Review status: criteria provided, single submitter. Criteria: GeneDx Variant Classification Process June 2021. Collection method: clinical testing. Allele origin: germline. Affected: yes.
Comment: Not observed at significant frequency in large population cohorts (gnomAD); In silico analysis supports that this missense variant has a deleterious effect on protein structure/function; Has not been previously published as pathogenic or benign to our knowledge